The following is an entry in ClinVar:

NC_000005.10:g.(?_132557315)_(132642374_?)del

Genes: TH2-LCR (Th2 cytokine locus control region; plus strand), TH2LCRR (T helper type 2 locus control region associated RNA; minus strand), RAD50 (RAD50 double strand break repair protein; plus strand). Cytogenetic location: 5q31.1.
Variant type: Deletion.
Identifiers: ClinVar variation 662868 (VCV000662868.2).

ClinVar aggregate classification (germline): Pathogenic (1 of 4 stars; one submission).

Conditions:
Hereditary cancer-predisposing syndrome. Also called: Neoplastic Syndromes, Hereditary; Tumor predisposition; Hereditary neoplastic syndrome; Hereditary Cancer Syndrome. Identifiers: Orphanet 140162, MedGen C0027672, MeSH D009386, MONDO:0015356.

Submission:

Labcorp Genetics (formerly Invitae), Labcorp
Classification: Pathogenic for Hereditary cancer-predisposing syndrome. Last evaluated: 2019-12-02. Review status: criteria provided, single submitter. Criteria: Invitae Variant Classification Sherloc (09022015). Collection method: clinical testing. Allele origin: germline.
Comment: A gross deletion of the genomic region encompassing the full coding sequence of the RAD50 gene has been identified. The boundaries of this event are unknown as the deletion extends beyond the assayed region for this gene and therefore may encompass additional genes. This variant has not been reported in the literature in individuals with RAD50-related disease. Loss-of-function variants in RAD50 are known to be pathogenic (PMID: 16385572, 19409520). For these reasons, this variant has been classified as Pathogenic.